The following is an entry in ClinVar:

ClinVar aggregate classification (germline): Uncertain significance (1 of 4 stars; one submission).

Allele frequency attached by ClinVar (database versions not stated): ExAC 0.00002; gnomAD 0.00002; gnomAD exomes 0.00002.
gnomAD v4.1: 12 of 1,612,360 alleles (0.00074%); highest among the groups gnomAD compares: Admixed American, 0.018%; no homozygotes.

Submission:

Labcorp Genetics (formerly Invitae), Labcorp
Classification: Uncertain significance. Last evaluated: 2022-08-09. Review status: criteria provided, single submitter. Criteria: Invitae Variant Classification Sherloc (09022015). Collection method: clinical testing. Allele origin: germline.
Comment: This variant is present in population databases (rs765262200, gnomAD 0.02%). In summary, the available evidence is currently insufficient to determine the role of this variant in disease. Therefore, it has been classified as a Variant of Uncertain Significance. Variants that disrupt the consensus splice site are a relatively common cause of aberrant splicing (PMID: 17576681, 9536098). Algorithms developed to predict the effect of sequence changes on RNA splicing suggest that this variant is not likely to affect RNA splicing. This variant has not been reported in the literature in individuals affected with BPTF-related conditions. This sequence change falls in intron 14 of the BPTF gene. It does not directly change the encoded amino acid sequence of the BPTF protein. It affects a nucleotide within the consensus splice site.

Literature cited by the submitters: PubMed 17576681; PubMed 9536098.

NM_182641.4(BPTF):c.5428+5G>A

Gene: BPTF (bromodomain PHD finger transcription factor; plus strand). Cytogenetic location: 17q24.2.
Variant type: single nucleotide variant.
Coding change: c.5428+5G>A on transcript NM_182641.4 (MANE Select); 5 bases into the intron after coding-DNA position 5428, G replaced by A.
Molecular consequence: intron variant.
Genome position (GRCh38, 1-based): chr17:67,918,843, G>A. VCF-style: chr17-67918843-G-A. GRCh37 (hg19) VCF-style: chr17-65914959-G-A.
Other names: c.5806+5G>A (NM_004459.7).
Identifiers: ClinVar variation 2065755 (VCV002065755.4), dbSNP rs765262200, ClinGen allele CA8725952.